The following is an entry in ClinVar:

NM_001927.4(DES):c.1366G>A (p.Gly456Arg)

Gene: DES (desmin; plus strand). Cytogenetic location: 2q35.
Variant type: single nucleotide variant.
Coding change: c.1366G>A on transcript NM_001927.4 (MANE Select); coding-DNA position 1366, G replaced by A.
Protein change: p.Gly456Arg; replaces glycine 456 with arginine.
Molecular consequence: missense variant.
Genome position (GRCh38, 1-based): chr2:219,425,740, G>A. VCF-style: chr2-219425740-G-A. GRCh37 (hg19) VCF-style: chr2-220290462-G-A.
Other names: short protein forms G456R.
Identifiers: ClinVar variation 44251 (VCV000044251.14), dbSNP rs397516690, ClinGen allele CA133826.
Genomic context (GRCh38, chr2:219,425,740, plus strand): 5'-AGGGGTTCTGAGGTCCATACCAAGAAGACGGTGATGATCAAGACCATCGAGACACGGGAT[G>A]GGGAGGTAAGTGGTCTGTCTGGGCTCCTTACCCTTGGTGGGGGCTATGGATGTGTCTGGG-3'
Protein context (NP_001918.3, residues 446-466): VMIKTIETRD[Gly456Arg]EVVSEATQQQ

ClinVar aggregate classification (germline): Conflicting classifications of pathogenicity. Review status: criteria provided, conflicting classifications (1 of 4 stars). 3 submissions from 3 submitters: Likely pathogenic (2); Uncertain significance (1). Last evaluated 2025-03-17.

Conditions:
Desmin-related myofibrillar myopathy (MFM1). Also called: MYOFIBRILLAR MYOPATHY WITH ARRHYTHMOGENIC RIGHT VENTRICULAR CARDIOMYOPATHY; DESMIN-RELATED MYOPATHY WITH ARRHYTHMOGENIC RIGHT VENTRICULAR CARDIOMYOPATHY; Desminopathy; Desmin related myopathy (former name); Desmin storage myopathy (former name); Myofibrillar myopathy 1. Identifiers: Orphanet 363543, Orphanet 98909, MedGen C1832370, MONDO:0011076, OMIM 601419.

Allele frequency attached by ClinVar (database versions not stated): gnomAD exomes below 0.00001; TOPMed below 0.00001.
gnomAD v4.1: 6 of 1,605,122 alleles (0.00037%); highest among the groups gnomAD compares: South Asian, 0.0022%; no homozygotes.

Submissions (3):

Labcorp Genetics (formerly Invitae), Labcorp
Classification: Likely pathogenic for Desmin-related myofibrillar myopathy. Last evaluated: 2025-03-17. Review status: criteria provided, single submitter. Criteria: Invitae Variant Classification Sherloc (09022015). Collection method: clinical testing. Allele origin: germline.
Comment: This sequence change replaces glycine, which is neutral and non-polar, with arginine, which is basic and polar, at codon 456 of the DES protein (p.Gly456Arg). This variant is not present in population databases (gnomAD no frequency). This missense change has been observed in individuals with clinical features of autosomal recessive DES-related conditions (PMID: 35958417; internal data). ClinVar contains an entry for this variant (Variation ID: 44251). Invitae Evidence Modeling of protein sequence and biophysical properties (such as structural, functional, and spatial information, amino acid conservation, physicochemical variation, residue mobility, and thermodynamic stability) indicates that this missense variant is expected to disrupt DES protein function with a positive predictive value of 95%. In summary, the currently available evidence indicates that the variant is pathogenic, but additional data are needed to prove that conclusively. Therefore, this variant has been classified as Likely Pathogenic.

Clinical Omics and Informatics (COIN) Unit, Neuroscience Institute, University Of Cape Town
Classification: Likely pathogenic for Desmin-related myofibrillar myopathy. Last evaluated: 2024-05-22. Review status: criteria provided, single submitter. Criteria: ACMG Guidelines, 2015. Collection method: research. Allele origin: germline. Inheritance: Autosomal recessive inheritance. Affected: yes. Observed: 1 variant allele, 1 homozygote.
Comment: PM2_Supporting: This variant is absent from gnomAD v4.0 (adequate coverage >20x confirmed). PM1 not met: pathogenic DES variants are distributed throughout the protein. PP3_Moderate: REVEL score is 0.884. PM3 Met: max 1 point awarded for 2 homozygous observations of variant in probands with consistent phenotype for disorder. PS4_Supporting: Variant found in 1 proband (homozygous) with consistent phenotype for disorder. This proband counted under PS4 as max points reached for homozygous observations counted under PM3. Sequencing funded by the International Centre for Genomic Medicine in Neuromuscular Diseases (ICGNMD)

Laboratory for Molecular Medicine, Mass General Brigham Personalized Medicine
Classification: Uncertain significance. Last evaluated: 2012-08-27. Review status: criteria provided, single submitter. Criteria: LMM Criteria. Collection method: clinical testing. Allele origin: germline. Observed: 1 variant allele.
Comment: The Gly456Arg variant in DES has not been reported in the literature nor previou sly identified by our laboratory. Computational analyses (biochemical amino acid properties, conservation, PolyPhen2, and SIFT) suggest that this variant may im pact the protein, though this information is not predictive enough to determine pathogenicity. Additional information is needed to fully assess the clinical sig nificance of this variant.

Literature cited by the submitters: PubMed 35958417 (cited by Labcorp Genetics (formerly Invitae), Labcorp and Clinical Omics and Informatics (COIN) Unit, Neuroscience Institute, University Of Cape Town); PubMed 37712079 (cited by Clinical Omics and Informatics (COIN) Unit, Neuroscience Institute, University Of Cape Town).